The following is an entry in ClinVar:

ClinVar aggregate classification (germline): Pathogenic (1 of 4 stars; one submission).

Submission:

GeneDx
Classification: Pathogenic. Last evaluated: 2012-12-12. Review status: criteria provided, single submitter. Criteria: GeneDx Variant Classification (06012015). Collection method: clinical testing. Allele origin: germline. Affected: yes.
Comment: Although the 1220819 variant in the KCNH2 gene has not been reported to our knowledge, this variant causes a shift in reading frame starting at codon Serine 933, changing it to a Lysine, and creating a premature stop codon at position 7 of the new reading frame, denoted p.Ser933LysfsX7. This variant is expected to result in either an abnormal, truncated protein product or loss of protein from this allele through nonsense-mediated mRNA decay. Other frameshift variants in the KCNH2 gene have been reported in association with LQTS. In summary, c.2797dupA in the KCNH2 gene is interpreted as a pathogenic variant.

NM_000238.4(KCNH2):c.2797dup (p.Ser933fs)

Gene: KCNH2 (potassium voltage-gated channel subfamily H member 2; minus strand). Cytogenetic location: 7q36.1.
Variant type: Duplication.
Coding change: c.2797dup on transcript NM_000238.4 (MANE Select); coding-DNA position 2797, one base duplicated (A; older notation c.2797dupA).
Protein change: p.Ser933fs; shifts the reading frame from serine 933.
Molecular consequence: frameshift variant.
Genome position (GRCh38, 1-based): chr7:150,947,774, T duplicated on the plus strand (A on the coding strand, the reverse complement: KCNH2 is on the minus strand). VCF-style (leftmost placement, unchanged base first): chr7-150947773-C-CT. GRCh37 (hg19) VCF-style: chr7-150644861-C-CT.
Other names: c.1777dup, p.Ser593fs (NM_172057.3); short protein forms S933fs, S593fs.
Identifiers: ClinVar variation 200684 (VCV000200684.2), dbSNP rs794728461, ClinGen allele CA305330.